The following is an entry in ClinVar:

NM_000081.4(LYST):c.4904C>G (p.Thr1635Arg)

Gene: LYST (lysosomal trafficking regulator; minus strand). Cytogenetic location: 1q42.3.
Variant type: single nucleotide variant.
Coding change: c.4904C>G on transcript NM_000081.4 (MANE Select); coding-DNA position 4904, C replaced by G.
Protein change: p.Thr1635Arg; replaces threonine 1635 with arginine.
Molecular consequence: missense variant.
Genome position (GRCh38, 1-based): chr1:235,782,046, G>C on the plus strand (C>G on the coding strand, the complement: LYST is on the minus strand). VCF-style: chr1-235782046-G-C. GRCh37 (hg19) VCF-style: chr1-235945346-G-C.
Other names: c.4904C>G, p.Thr1635Arg (NM_001301365.1); short protein forms T1635R.
Identifiers: ClinVar variation 651351 (VCV000651351.6), dbSNP rs2528043556, ClinGen allele CA344956384.
Genomic context (GRCh38, chr1:235,782,046, plus strand): 5'-TGGGATGATAAACAATGGCCAATCATGCAAAATGTTTTATTGCTATCAGATGACAAACTT[G>C]TTTTTCTTGGAAGCATAAAATCCAAAGTAACATCAGGCTTCCTACATTAAAAACAAAACA-3'
Protein context (NP_000072.2, residues 1625-1645): VTLDFMLPRK[Thr1635Arg]SLSSDSNKTF

ClinVar aggregate classification (germline): Uncertain significance (1 of 4 stars; one submission).

Conditions:
Chédiak-Higashi syndrome (CHS). Also called: Chediak-Higashi Syndrome. Identifiers: Orphanet 167, MedGen C0007965, MONDO:0008963, OMIM 214500.

Submission:

Labcorp Genetics (formerly Invitae), Labcorp
Classification: Uncertain significance for Chédiak-Higashi syndrome. Last evaluated: 2022-09-01. Review status: criteria provided, single submitter. Criteria: Invitae Variant Classification Sherloc (09022015). Collection method: clinical testing. Allele origin: germline.
Comment: This sequence change replaces threonine, which is neutral and polar, with arginine, which is basic and polar, at codon 1635 of the LYST protein (p.Thr1635Arg). This variant is not present in population databases (gnomAD no frequency). This variant has not been reported in the literature in individuals affected with LYST-related conditions. ClinVar contains an entry for this variant (Variation ID: 651351). Algorithms developed to predict the effect of missense changes on protein structure and function (SIFT, PolyPhen-2, Align-GVGD) all suggest that this variant is likely to be tolerated. In summary, the available evidence is currently insufficient to determine the role of this variant in disease. Therefore, it has been classified as a Variant of Uncertain Significance.